The following is an entry in ClinVar:

ClinVar aggregate classification (germline): Uncertain significance (1 of 4 stars; one submission).

Conditions:
Inborn genetic diseases. Identifiers: MedGen C0950123, MeSH D030342.

Allele frequency attached by ClinVar (database versions not stated): gnomAD 0.00001; TOPMed 0.00001.
gnomAD v4.1: 1 of 1,611,476 alleles (0.000062%); highest among the groups gnomAD compares: Non-Finnish European, 0.000085%; no homozygotes.

Submission:

Ambry Genetics
Classification: Uncertain significance for Inborn genetic diseases. Last evaluated: 2024-08-30. Review status: criteria provided, single submitter. Criteria: Ambry Variant Classification Scheme 2023. Collection method: clinical testing. Allele origin: germline.
Comment: The p.S1721L variant (also known as c.5162C>T), located in coding exon 35 of the LRRK2 gene, results from a C to T substitution at nucleotide position 5162. The serine at codon 1721 is replaced by leucine, an amino acid with dissimilar properties. This amino acid position is conserved. In addition, the in silico prediction for this alteration is inconclusive. Since supporting evidence is limited at this time, the clinical significance of this alteration remains unclear.

NM_198578.4(LRRK2):c.5162C>T (p.Ser1721Leu)

Gene: LRRK2 (leucine rich repeat kinase 2; plus strand). Cytogenetic location: 12q12.
Variant type: single nucleotide variant.
Coding change: c.5162C>T on transcript NM_198578.4 (MANE Select); coding-DNA position 5162, C replaced by T.
Protein change: p.Ser1721Leu; replaces serine 1721 with leucine.
Molecular consequence: missense variant.
Genome position (GRCh38, 1-based): chr12:40,321,180, C>T. VCF-style: chr12-40321180-C-T. GRCh37 (hg19) VCF-style: chr12-40714982-C-T.
Other names: short protein forms S1721L.
Identifiers: ClinVar variation 1745733 (VCV001745733.3), dbSNP rs1278113661, ClinGen allele CA384420131.
Genomic context (GRCh38, chr12:40,321,180, plus strand): 5'-CAATGGGATTTTGGTCAAGATTAATCAATCGATTACTTGAGATTTCACCTTACATGCTTT[C>T]AGGGAGAGGTAAGTATCTAATGAAGACTTATTAGATTTTTAGAGACTATTAATTTAGACT-3'
Protein context (NP_940980.4, residues 1711-1731): RLLEISPYML[Ser1721Leu]GRERALRPNR